The following is an entry in ClinVar:

ClinVar aggregate classification (germline): Uncertain significance (1 of 4 stars; one submission).

Submission:

Greenwood Genetic Center Diagnostic Laboratories, Greenwood Genetic Center
Classification: Uncertain significance. Last evaluated: 2025-05-12. Review status: criteria provided, single submitter. Criteria: ACMG Guidelines, 2015. Collection method: clinical testing. Allele origin: germline. Affected: yes.
Comment: PM2, PP3

NM_015030.2(FRYL):c.6748G>A (p.Val2250Met)

Gene: FRYL (FRY like transcription coactivator; minus strand). Cytogenetic location: 4p11.
Variant type: single nucleotide variant.
Coding change: c.6748G>A on transcript NM_015030.2 (MANE Select); coding-DNA position 6748, G replaced by A.
Protein change: p.Val2250Met; replaces valine 2250 with methionine.
Molecular consequence: missense variant.
Genome position (GRCh38, 1-based): chr4:48,531,311, C>T on the plus strand (G>A on the coding strand, the complement: FRYL is on the minus strand). VCF-style: chr4-48531311-C-T. GRCh37 (hg19) VCF-style: chr4-48533328-C-T.
Other names: short protein forms V2250M.
Identifiers: ClinVar variation 4538230 (VCV004538230.1).
Genomic context (GRCh38, chr4:48,531,311, plus strand): 5'-TATCTCCTCCATAGGTCTTGGGGATATCACTGGGTACGACAAGACTCGCAGAGCGTGACA[C>T]CACCAGCTTTAATATGTTAAGGGCTTCCTTCCAGTAAGGACTCTGGTTTAAAAAATAATT-3'
Protein context (NP_055845.1, residues 2240-2260): KEALNILKLV[Val2250Met]SRSASLVVPS